The following is an entry in ClinVar:

ClinVar aggregate classification (germline): Uncertain significance (1 of 4 stars; one submission).

Submission:

Labcorp Genetics (formerly Invitae), Labcorp
Classification: Uncertain significance. Last evaluated: 2022-07-29. Review status: criteria provided, single submitter. Criteria: Invitae Variant Classification Sherloc (09022015). Collection method: clinical testing. Allele origin: germline.
Comment: In summary, the available evidence is currently insufficient to determine the role of this variant in disease. Therefore, it has been classified as a Variant of Uncertain Significance. Algorithms developed to predict the effect of missense changes on protein structure and function are either unavailable or do not agree on the potential impact of this missense change (SIFT: "Not Available"; PolyPhen-2: "Probably Damaging"; Align-GVGD: "Not Available"). This variant has not been reported in the literature in individuals affected with POLR1A-related conditions. This variant is not present in population databases (gnomAD no frequency). This sequence change replaces valine, which is neutral and non-polar, with methionine, which is neutral and non-polar, at codon 1505 of the POLR1A protein (p.Val1505Met).

NM_015425.6(POLR1A):c.4513G>A (p.Val1505Met)

Gene: POLR1A (RNA polymerase I subunit A; minus strand). Cytogenetic location: 2p11.2.
Variant type: single nucleotide variant.
Coding change: c.4513G>A on transcript NM_015425.6 (MANE Select); coding-DNA position 4513, G replaced by A.
Protein change: p.Val1505Met; replaces valine 1505 with methionine.
Molecular consequence: missense variant.
Genome position (GRCh38, 1-based): chr2:86,031,395, C>T on the plus strand (G>A on the coding strand, the complement: POLR1A is on the minus strand). VCF-style: chr2-86031395-C-T. GRCh37 (hg19) VCF-style: chr2-86258518-C-T.
Other names: short protein forms V1505M.
Identifiers: ClinVar variation 1714087 (VCV001714087.5), dbSNP rs2466307763, ClinGen allele CA347546154.
Genomic context (GRCh38, chr2:86,031,395, plus strand): 5'-ACCACAGGCTCTCCTCGGTGTCGTACTGGTAGTCATCTATGAACGGGTGGATCTCACGCA[C>T]AGCCTGGACCCGGCGCTCCATGGCCTCGGGCCCCTGGGGCTCCTGGCTGTGGGTGGGTTT-3'
Protein context (NP_056240.2, residues 1495-1515): PEAMERRVQA[Val1505Met]REIHPFIDDY